The following is an entry in ClinVar:

ClinVar aggregate classification (germline): Uncertain significance (1 of 4 stars; one submission).

Conditions:
Ornithine carbamoyltransferase deficiency (OTCD). Also called: ORNITHINE TRANSCARBAMYLASE DEFICIENCY; ORNITHINE TRANSCARBAMYLASE DEFICIENCY, HYPERAMMONEMIA DUE TO; OTC DEFICIENCY; Ornithine Carbamoyltransferase Deficiency Disease. Identifiers: Orphanet 664, MedGen C0268542, MONDO:0010703, OMIM 311250.

Submission:

Color Diagnostics, LLC DBA Color Health
Classification: Uncertain significance for Ornithine carbamoyltransferase deficiency. Last evaluated: 2025-06-23. Review status: criteria provided, single submitter. Criteria: ACMG Guidelines, 2015. Collection method: clinical testing. Allele origin: germline.
Comment: This missense variant replaces isoleucine with methionine at codon 334 of the OTC protein. Computational prediction suggests that this variant may have deleterious impact on protein structure and function. To our knowledge, functional studies have not been reported for this variant. This variant has not been reported in individuals affected with OTC-related disorders in the literature. This variant has not been identified in the general population by the Genome Aggregation Database (gnomAD). The available evidence is insufficient to determine the role of this variant in disease conclusively. Therefore, this variant is classified as a Variant of Uncertain Significance.

NM_000531.6(OTC):c.1002C>G (p.Ile334Met)

Gene: OTC (ornithine transcarbamylase; plus strand). Cytogenetic location: Xp11.4.
Variant type: single nucleotide variant.
Coding change: c.1002C>G on transcript NM_000531.6 (MANE Select); coding-DNA position 1002, C replaced by G.
Protein change: p.Ile334Met; replaces isoleucine 334 with methionine.
Molecular consequence: missense variant.
Genome position (GRCh38, 1-based): chrX:38,411,996, C>G. VCF-style: chrX-38411996-C-G. GRCh37 (hg19) VCF-style: chrX-38271249-C-G.
Other names: c.1002C>G, p.Ile334Met (NM_001407092.1); short protein forms I334M.
Identifiers: ClinVar variation 4756817 (VCV004756817.1).